The following is an entry in ClinVar:

NM_015910.7(WDPCP):c.842G>A (p.Arg281His)

Gene: WDPCP (WD repeat containing planar cell polarity effector; minus strand). Cytogenetic location: 2p15.
Variant type: single nucleotide variant.
Coding change: c.842G>A on transcript NM_015910.7 (MANE Select); coding-DNA position 842, G replaced by A.
Protein change: p.Arg281His; replaces arginine 281 with histidine.
Molecular consequence: missense variant. On other transcripts: non-coding transcript variant (3).
Genome position (GRCh38, 1-based): chr2:63,404,641, C>T on the plus strand (G>A on the coding strand, the complement: WDPCP is on the minus strand). VCF-style: chr2-63404641-C-T. GRCh37 (hg19) VCF-style: chr2-63631776-C-T.
Other names: c.365G>A, p.Arg122His (NM_001042692.3); c.770G>A, p.Arg257His (NM_001354044.2); c.842G>A, p.Arg281His (NM_001354045.2); short protein forms R281H, R257H, R122H.
Identifiers: ClinVar variation 834407 (VCV000834407.12), dbSNP rs3738877, ClinGen allele CA1682322.
Genomic context (GRCh38, chr2:63,404,641, plus strand): 5'-GTGAACACCTGATAAGGCTGTTTGGTGCCAAAGCGAACATCCAGTGGGTCCCATTCTGTG[C>T]GGACAGAACTCAGAACCTGTTAAGAAATATATCAAGTACATTCAGATAAACTTTGGTTTT-3'
Protein context (NP_056994.3, residues 271-291): QGRLEVLSSV[Arg281His]TEWDPLDVRF

ClinVar aggregate classification (germline): Uncertain significance. Review status: criteria provided, multiple submitters, no conflicts (2 of 4 stars). 4 submissions from 4 submitters: Uncertain significance (4). Last evaluated 2026-03-09.

Conditions:
Bardet-Biedl syndrome 15 (BBS15). Identifiers: Orphanet 110, MedGen C3150127, MONDO:0014443, OMIM 615992.
Heart defect - tongue hamartoma - polysyndactyly syndrome. Also called: Congenital heart defects, hamartomas of tongue, and polysyndactyly. Identifiers: Orphanet 1338, MedGen C1857587, MONDO:0009008, OMIM 217085.
WDPCP-related disorder. Also called: WDPCP-related condition.
Bardet-Biedl syndrome (BBS). Identifiers: Orphanet 110, MedGen C0752166, MONDO:0015229.

Allele frequency attached by ClinVar (database versions not stated): gnomAD exomes 0.00005; ExAC 0.00006; gnomAD 0.00007 and 0.00008; ESP Exome Variant Server 0.00008; TOPMed 0.00008.
gnomAD v4.1: 140 of 1,613,878 alleles (0.0087%); highest among the groups gnomAD compares: East Asian, 0.25%; no homozygotes.

Submissions (4):

PreventionGenetics, part of Exact Sciences
Classification: Uncertain significance for WDPCP-related condition. Last evaluated: 2026-03-09. Review status: criteria provided, single submitter. Criteria: ACMG Guidelines, 2015. Collection method: clinical testing. Allele origin: germline.
Comment: The WDPCP c.842G>A variant is predicted to result in the amino acid substitution p.Arg281His. To our knowledge, this variant has not been reported in the literature. This variant is reported in 0.046% of alleles in individuals of East Asian descent in gnomAD. At this time, the clinical significance of this variant is uncertain due to the absence of conclusive functional and genetic evidence.

Labcorp Genetics (formerly Invitae), Labcorp
Classification: Uncertain significance for Bardet-Biedl syndrome. Last evaluated: 2022-10-13. Review status: criteria provided, single submitter. Criteria: Invitae Variant Classification Sherloc (09022015). Collection method: clinical testing. Allele origin: germline.
Comment: This sequence change replaces arginine, which is basic and polar, with histidine, which is basic and polar, at codon 281 of the WDPCP protein (p.Arg281His). This variant is present in population databases (rs3738877, gnomAD 0.05%). This variant has not been reported in the literature in individuals affected with WDPCP-related conditions. ClinVar contains an entry for this variant (Variation ID: 834407). Advanced modeling of protein sequence and biophysical properties (such as structural, functional, and spatial information, amino acid conservation, physicochemical variation, residue mobility, and thermodynamic stability) performed at Invitae indicates that this missense variant is not expected to disrupt WDPCP protein function. In summary, the available evidence is currently insufficient to determine the role of this variant in disease. Therefore, it has been classified as a Variant of Uncertain Significance.

Revvity Omics, Revvity
Classification: Uncertain significance. Last evaluated: 2022-09-06. Review status: criteria provided, single submitter. Criteria: ACMG Guidelines, 2015. Collection method: clinical testing. Allele origin: germline.

Fulgent Genetics
Classification: Uncertain significance for Heart defect - tongue hamartoma - polysyndactyly syndrome; Bardet-Biedl syndrome 15. Last evaluated: 2022-04-11. Review status: criteria provided, single submitter. Criteria: ACMG Guidelines, 2015. Collection method: clinical testing. Allele origin: unknown.